The following is an entry in ClinVar:

ClinVar aggregate classification (germline): Uncertain significance (1 of 4 stars; one submission).

gnomAD v4.1: 1 of 1,613,950 alleles (0.000062%); highest among the groups gnomAD compares: Non-Finnish European, 0.000085%; no homozygotes.

Submission:

Labcorp Genetics (formerly Invitae), Labcorp
Classification: Uncertain significance. Last evaluated: 2024-07-13. Review status: criteria provided, single submitter. Criteria: Invitae Variant Classification Sherloc (09022015). Collection method: clinical testing. Allele origin: germline.
Comment: This sequence change replaces methionine, which is neutral and non-polar, with threonine, which is neutral and polar, at codon 2267 of the POLE protein (p.Met2267Thr). This variant is not present in population databases (gnomAD no frequency). This variant has not been reported in the literature in individuals affected with POLE-related conditions. Advanced modeling of protein sequence and biophysical properties (such as structural, functional, and spatial information, amino acid conservation, physicochemical variation, residue mobility, and thermodynamic stability) performed at Invitae indicates that this missense variant is expected to disrupt POLE protein function with a positive predictive value of 80%. In summary, the available evidence is currently insufficient to determine the role of this variant in disease. Therefore, it has been classified as a Variant of Uncertain Significance.

NM_006231.4(POLE):c.6800T>C (p.Met2267Thr)

Gene: POLE (DNA polymerase epsilon, catalytic subunit; minus strand). Cytogenetic location: 12q24.33.
Variant type: single nucleotide variant.
Coding change: c.6800T>C on transcript NM_006231.4 (MANE Select); coding-DNA position 6800, T replaced by C.
Protein change: p.Met2267Thr; replaces methionine 2267 with threonine.
Molecular consequence: missense variant.
Genome position (GRCh38, 1-based): chr12:132,624,758, A>G on the plus strand (T>C on the coding strand, the complement: POLE is on the minus strand). VCF-style: chr12-132624758-A-G. GRCh37 (hg19) VCF-style: chr12-133201344-A-G.
Other names: short protein forms M2267T.
Identifiers: ClinVar variation 3673313 (VCV003673313.2).
Genomic context (GRCh38, chr12:132,624,758, plus strand): 5'-TAATGGCCCAGCTGTGGGTTCTTCTGCAGCAGCCACTCCAGGGTCTCCAGGAGGTACGAC[A>G]TGCCGTAGTGCTGGGCAATGTTCCGGAATATTCCGATCTGTTCCATGAAGACCTGCAGGA-3'
Protein context (NP_006222.2, residues 2257-2277): IFRNIAQHYG[Met2267Thr]SYLLETLEWL